The following is an entry in ClinVar:

NM_207122.2(EXT2):c.469A>C (p.Ile157Leu)

Gene: EXT2 (exostosin glycosyltransferase 2; plus strand). Cytogenetic location: 11p11.2.
Variant type: single nucleotide variant.
Coding change: c.469A>C on transcript NM_207122.2 (MANE Select); coding-DNA position 469, A replaced by C.
Protein change: p.Ile157Leu; replaces isoleucine 157 with leucine.
Molecular consequence: missense variant.
Genome position (GRCh38, 1-based): chr11:44,108,181, A>C. VCF-style: chr11-44108181-A-C. GRCh37 (hg19) VCF-style: chr11-44129731-A-C.
Other names: c.568A>C, p.Ile190Leu (NM_000401.3); c.469A>C, p.Ile157Leu (NM_001178083.3, NM_001389628.1, NM_001389630.1); short protein forms I190L, I157L.
Identifiers: ClinVar variation 2908601 (VCV002908601.4), dbSNP rs2539517587, ClinGen allele CA380180411.

ClinVar aggregate classification (germline): Uncertain significance. Review status: criteria provided, multiple submitters, no conflicts (2 of 4 stars). 2 submissions from 2 submitters: Uncertain significance (2). Last evaluated 2023-12-08.

Conditions:
Inborn genetic diseases. Identifiers: MedGen C0950123, MeSH D030342.
Exostoses, multiple, type 2 (EXT2). Also called: Hereditary Multiple Osteochondromatosis, Type II; EXOSTOSES, MULTIPLE, TYPE II. Identifiers: Orphanet 321, MedGen C1851413, MONDO:0007586, OMIM 133701.

Submissions (2):

Ambry Genetics
Classification: Uncertain significance for Inborn genetic diseases. Last evaluated: 2023-12-08. Review status: criteria provided, single submitter. Criteria: Ambry Variant Classification Scheme 2023. Collection method: clinical testing. Allele origin: germline.

Labcorp Genetics (formerly Invitae), Labcorp
Classification: Uncertain significance for Exostoses, multiple, type 2. Last evaluated: 2023-03-07. Review status: criteria provided, single submitter. Criteria: Invitae Variant Classification Sherloc (09022015). Collection method: clinical testing. Allele origin: germline.
Comment: This sequence change replaces isoleucine, which is neutral and non-polar, with leucine, which is neutral and non-polar, at codon 157 of the EXT2 protein (p.Ile157Leu). This variant is not present in population databases (gnomAD no frequency). In summary, the available evidence is currently insufficient to determine the role of this variant in disease. Therefore, it has been classified as a Variant of Uncertain Significance. Advanced modeling of protein sequence and biophysical properties (such as structural, functional, and spatial information, amino acid conservation, physicochemical variation, residue mobility, and thermodynamic stability) performed at Invitae indicates that this missense variant is not expected to disrupt EXT2 protein function. This variant has not been reported in the literature in individuals affected with EXT2-related conditions.